The following is an entry in ClinVar:

NM_005982.4(SIX1):c.93del (p.Arg32fs)

Gene: SIX1 (SIX homeobox 1; minus strand). Cytogenetic location: 14q23.1.
Variant type: Deletion.
Coding change: c.93del on transcript NM_005982.4 (MANE Select); coding-DNA position 93, one base deleted (C; older notation c.93delC).
Protein change: p.Arg32fs; shifts the reading frame from arginine 32.
Molecular consequence: frameshift variant.
Genome position (GRCh38, 1-based): chr14:60,649,097, G deleted on the plus strand (C on the coding strand, the reverse complement: SIX1 is on the minus strand). VCF-style (leftmost placement, unchanged base first): chr14-60649096-TG-T. GRCh37 (hg19) VCF-style: chr14-61115814-TG-T.
Other names: c.93del, p.Arg32fs (NM_001425142.1); short protein forms R32fs.
Identifiers: ClinVar variation 5007998 (VCV005007998.1).
Genomic context (GRCh38, chr14:60,649,096, plus strand): 5'-CCTTGAGTACGCTCTCGTTCTTGTGCAGGTGGTCGCAGGCGGGCAGTGACCACAGGAACC[TG>T]CCCAGGCGCTCCAGGTTTCCGCCTTGCTGCAGAACCTCGCACACGCACGCCACTTGCTCC-3'

ClinVar aggregate classification (germline): Uncertain significance (1 of 4 stars; one submission).

Submission:

GeneDx
Classification: Uncertain significance. Last evaluated: 2026-02-27. Review status: criteria provided, single submitter. Criteria: GeneDx Variant Classification Process June 2021. Collection method: clinical testing. Allele origin: germline.
Comment: Not observed at significant frequency in large population cohorts (gnomAD); Frameshift variant predicted to result in protein truncation or nonsense mediated decay in a gene or region of a gene for which loss of function is not a well-established mechanism of disease; Has not been previously published as pathogenic or benign to our knowledge